The following is an entry in ClinVar:

NM_001370466.1(NOD2):c.1589G>T (p.Gly530Val)

Gene: NOD2 (nucleotide binding oligomerization domain containing 2; plus strand). Cytogenetic location: 16q12.1.
Variant type: single nucleotide variant.
Coding change: c.1589G>T on transcript NM_001370466.1 (MANE Select); coding-DNA position 1589, G replaced by T.
Protein change: p.Gly530Val; replaces glycine 530 with valine.
Molecular consequence: missense variant. On other transcripts: non-coding transcript variant (1).
Genome position (GRCh38, 1-based): chr16:50,711,581, G>T. VCF-style: chr16-50711581-G-T. GRCh37 (hg19) VCF-style: chr16-50745492-G-T.
Other names: c.1589G>T, p.Gly530Val (NM_001293557.2); c.1670G>T, p.Gly557Val (NM_022162.3); short protein forms G530V, G557V.
Identifiers: ClinVar variation 2944766 (VCV002944766.2), dbSNP rs1306260121, ClinGen allele CA395869380.
Genomic context (GRCh38, chr16:50,711,581, plus strand): 5'-CCAGTCTTCTTCGGGGCCGCCTCCCCACCCTCCTGCACCTGGGCAGACTGGCTCTGTGGG[G>T]CCTGGGCATGTGCTGCTACGTGTTCTCAGCCCAGCAGCTCCAGGCAGCACAGGTCAGCCC-3'
Protein context (NP_001357395.1, residues 520-540): LLHLGRLALW[Gly530Val]LGMCCYVFSA

ClinVar aggregate classification (germline): Uncertain significance (1 of 4 stars; one submission).

Conditions:
Regional enteritis. Also called: Enteritis, Granulomatous. Identifiers: MedGen C0678202, MeSH D003424.
Blau syndrome (BLAUS). Also called: ARTHROCUTANEOUVEAL GRANULOMATOSIS; GRANULOMATOSIS, FAMILIAL JUVENILE SYSTEMIC; GRANULOMATOSIS, FAMILIAL, BLAU TYPE; GRANULOMATOUS INFLAMMATORY ARTHRITIS, DERMATITIS, AND UVEITIS, FAMILIAL; JABS SYNDROME. Identifiers: Orphanet 90340, MedGen C5201146, MONDO:0008523, OMIM 186580.

Allele frequency attached by ClinVar (database versions not stated): gnomAD exomes below 0.00001.

Submission:

Labcorp Genetics (formerly Invitae), Labcorp
Classification: Uncertain significance for Regional enteritis; Blau syndrome. Last evaluated: 2023-02-26. Review status: criteria provided, single submitter. Criteria: Invitae Variant Classification Sherloc (09022015). Collection method: clinical testing. Allele origin: germline.
Comment: In summary, the available evidence is currently insufficient to determine the role of this variant in disease. Therefore, it has been classified as a Variant of Uncertain Significance. Advanced modeling of protein sequence and biophysical properties (such as structural, functional, and spatial information, amino acid conservation, physicochemical variation, residue mobility, and thermodynamic stability) performed at Invitae indicates that this missense variant is expected to disrupt NOD2 protein function. This variant has not been reported in the literature in individuals affected with NOD2-related conditions. This variant is not present in population databases (gnomAD no frequency). This sequence change replaces glycine, which is neutral and non-polar, with valine, which is neutral and non-polar, at codon 557 of the NOD2 protein (p.Gly557Val).